The following is an entry in ClinVar:

NM_001792.5(CDH2):c.1975+1G>A

Gene: CDH2 (cadherin 2; minus strand). Cytogenetic location: 18q12.1.
Variant type: single nucleotide variant.
Coding change: c.1975+1G>A on transcript NM_001792.5 (MANE Select); the canonical splice donor site of the intron after coding-DNA position 1975, G replaced by A.
Molecular consequence: splice donor variant.
Genome position (GRCh38, 1-based): chr18:27,985,527, C>T on the plus strand (G>A on the coding strand, the complement: CDH2 is on the minus strand). VCF-style: chr18-27985527-C-T. GRCh37 (hg19) VCF-style: chr18-25565491-C-T.
Other names: c.1882+1G>A (NM_001308176.2).
Identifiers: ClinVar variation 3361314 (VCV003361314.1).

ClinVar aggregate classification (germline): Uncertain significance (1 of 4 stars; one submission).

gnomAD v4.1: 1 of 1,591,686 alleles (0.000063%); no homozygotes.

Submission:

GeneDx
Classification: Uncertain significance. Last evaluated: 2023-07-27. Review status: criteria provided, single submitter. Criteria: GeneDx Variant Classification Process June 2021. Collection method: clinical testing. Allele origin: germline. Affected: yes.
Comment: Not observed at significant frequency in large population cohorts (gnomAD); Canonical splice site variant in a gene or region of a gene for which loss of function is not a well-established mechanism of disease; Has not been previously published as pathogenic or benign to our knowledge